The following is an entry in ClinVar:

NM_002439.5(MSH3):c.1343T>C (p.Val448Ala)

Gene: MSH3 (mutS homolog 3; plus strand). Cytogenetic location: 5q14.1.
Variant type: single nucleotide variant.
Coding change: c.1343T>C on transcript NM_002439.5 (MANE Select); coding-DNA position 1343, T replaced by C.
Protein change: p.Val448Ala; replaces valine 448 with alanine.
Molecular consequence: missense variant.
Genome position (GRCh38, 1-based): chr5:80,725,455, T>C. VCF-style: chr5-80725455-T-C. GRCh37 (hg19) VCF-style: chr5-80021274-T-C.
Other names: short protein forms V448A.
Identifiers: ClinVar variation 2005576 (VCV002005576.4), dbSNP rs2546752946, ClinGen allele CA360273342.

ClinVar aggregate classification (germline): Uncertain significance (1 of 4 stars; one submission).

Allele frequency attached by ClinVar (database versions not stated): gnomAD exomes below 0.00001.
gnomAD v4.1: 1 of 1,611,928 alleles (0.000062%); highest among the groups gnomAD compares: Non-Finnish European, 0.000085%; no homozygotes.

Submission:

Labcorp Genetics (formerly Invitae), Labcorp
Classification: Uncertain significance. Last evaluated: 2022-06-13. Review status: criteria provided, single submitter. Criteria: Invitae Variant Classification Sherloc (09022015). Collection method: clinical testing. Allele origin: germline.
Comment: This variant has not been reported in the literature in individuals affected with MSH3-related conditions. This variant is not present in population databases (gnomAD no frequency). This sequence change replaces valine, which is neutral and non-polar, with alanine, which is neutral and non-polar, at codon 448 of the MSH3 protein (p.Val448Ala). Algorithms developed to predict the effect of missense changes on protein structure and function (SIFT, PolyPhen-2, Align-GVGD) all suggest that this variant is likely to be tolerated. In summary, the available evidence is currently insufficient to determine the role of this variant in disease. Therefore, it has been classified as a Variant of Uncertain Significance.